The following is an entry in ClinVar:

ClinVar aggregate classification (germline): Uncertain significance. Review status: criteria provided, multiple submitters, no conflicts (2 of 4 stars). 2 submissions from 2 submitters: Uncertain significance (2). Last evaluated 2024-12-28.

Conditions:
Inborn genetic diseases. Identifiers: MedGen C0950123, MeSH D030342.

Submissions (2):

Ambry Genetics
Classification: Uncertain significance for Inborn genetic diseases. Last evaluated: 2024-12-28. Review status: criteria provided, single submitter. Criteria: Ambry Variant Classification Scheme 2023. Collection method: clinical testing. Allele origin: germline.

Greenwood Genetic Center Diagnostic Laboratories, Greenwood Genetic Center
Classification: Uncertain significance. Last evaluated: 2024-03-26. Review status: criteria provided, single submitter. Criteria: ACMG Guidelines, 2015. Collection method: clinical testing. Allele origin: germline. Affected: yes.
Comment: PM2

NM_001378778.1(MPDZ):c.4325G>A (p.Cys1442Tyr)

Gene: MPDZ (multiple PDZ domain crumbs cell polarity complex component; minus strand). Cytogenetic location: 9p23.
Variant type: single nucleotide variant.
Coding change: c.4325G>A on transcript NM_001378778.1 (MANE Select); coding-DNA position 4325, G replaced by A.
Protein change: p.Cys1442Tyr; replaces cysteine 1442 with tyrosine.
Molecular consequence: missense variant.
Genome position (GRCh38, 1-based): chr9:13,136,150, C>T on the plus strand (G>A on the coding strand, the complement: MPDZ is on the minus strand). VCF-style: chr9-13136150-C-T. GRCh37 (hg19) VCF-style: chr9-13136149-C-T.
Other names: c.4226G>A, p.Cys1409Tyr (NM_001261406.2, NM_001261407.2, NM_001375416.1 and 3 more transcripts); c.4325G>A, p.Cys1442Tyr (NM_001330637.2, NM_001375413.1, NM_003829.5); c.4115G>A, p.Cys1372Tyr (NM_001375420.1, NM_001375421.1, NM_001375422.1 and 4 more transcripts); c.3917G>A, p.Cys1306Tyr (NM_001375427.1); c.4325G>A (NM_003829.3); short protein forms C1306Y, C1372Y, C1409Y, C1442Y.
Identifiers: ClinVar variation 3235818 (VCV003235818.2), dbSNP rs1946704848, ClinGen allele CA372948733.
Genomic context (GRCh38, chr9:13,136,150, plus strand): 5'-ACCTCCTTATTTTGAAGATTTTCTGAGTTAGAAGGCAAAGGTTCTACTGCATTTCCAGGA[C>T]ATACGGCCATCTGATTCACTGCATCTTTATTTCTAAAAGCAAAAAAACAACAACCTATTA-3'
Protein context (NP_001365707.1, residues 1432-1452): NKDAVNQMAV[Cys1442Tyr]PGNAVEPLPS